The following is an entry in ClinVar:

ClinVar aggregate classification (germline): Pathogenic (1 of 4 stars; one submission).

Conditions:
Nemaline myopathy 5 (NEM5A). Also called: NEMALINE MYOPATHY 5A, AUTOSOMAL RECESSIVE, SEVERE INFANTILE; NEMALINE MYOPATHY, AMISH TYPE; Nemaline myopathy 5, Amish type. Identifiers: Orphanet 98902, MedGen C1854380, MONDO:0011539, OMIM 605355.

Submission:

Labcorp Genetics (formerly Invitae), Labcorp
Classification: Pathogenic for Nemaline myopathy 5. Last evaluated: 2018-07-27. Review status: criteria provided, single submitter. Criteria: Invitae Variant Classification Sherloc (09022015). Collection method: clinical testing. Allele origin: germline.
Comment: This variant is a gross deletion of the genomic region encompassing exons 1-9 of the TNNT1 gene, which includes the initiator codon. The 5' end of this event is unknown as it extends beyond the assayed region for this gene and therefore may encompass additional genes. The 3' boundary is likely confined to intron 9 of the TNNT1 gene. This is expected to result in an absent or disrupted protein product. This variant has not been reported in the literature in individuals with TNNT1-related disease. Loss-of-function variants in TNNT1 are known to be pathogenic (PMID: 10952871, 24689076, 25430424). For these reasons, this variant has been classified as Pathogenic.

NC_000019.10:g.(?_55140863)_(55151937_?)del

Genes: TNNI3 (troponin I3, cardiac type; minus strand), TNNT1 (troponin T1, slow skeletal type; minus strand), LOC130065089 (ATAC-STARR-seq lymphoblastoid active region 15077; plus strand). Cytogenetic location: 19q13.42.
Variant type: Deletion.
Identifiers: ClinVar variation 651255 (VCV000651255.1).